The following is an entry in ClinVar:

ClinVar aggregate classification (germline): Uncertain significance. Review status: criteria provided, multiple submitters, no conflicts (2 of 4 stars). 3 submissions from 3 submitters: Uncertain significance (3). Last evaluated 2024-03-14.

Conditions:
Familial adenomatous polyposis 1 (FAP1). Also called: FAMILIAL ADENOMATOUS POLYPOSIS 1, ATTENUATED; POLYPOSIS, ADENOMATOUS INTESTINAL. Identifiers: MedGen C2713442, MONDO:0021056, OMIM 175100. Disease mechanism: loss of function.
Hereditary cancer-predisposing syndrome. Also called: Tumor predisposition; Hereditary neoplastic syndrome; Neoplastic Syndromes, Hereditary; Hereditary Cancer Syndrome. Identifiers: Orphanet 140162, MedGen C0027672, MeSH D009386, MONDO:0015356.

Submissions (3):

Ambry Genetics
Classification: Uncertain significance for Hereditary cancer-predisposing syndrome. Last evaluated: 2024-03-14. Review status: criteria provided, single submitter. Criteria: Ambry Variant Classification Scheme 2023. Collection method: clinical testing. Allele origin: germline.
Comment: The p.E1547K variant (also known as c.4639G>A), located in coding exon 15 of the APC gene, results from a G to A substitution at nucleotide position 4639. The glutamic acid at codon 1547 is replaced by lysine, an amino acid with similar properties. This amino acid position is conserved. In addition, in silico predictors for this gene do not accurately predict pathogenicity. Based on the available evidence, the clinical significance of this alteration remains unclear.

Baylor Genetics
Classification: Uncertain significance for Familial adenomatous polyposis 1. Last evaluated: 2023-05-30. Review status: criteria provided, single submitter. Criteria: ACMG Guidelines, 2015. Collection method: clinical testing. Allele origin: unknown.

Labcorp Genetics (formerly Invitae), Labcorp
Classification: Uncertain significance for Familial adenomatous polyposis 1. Last evaluated: 2022-07-20. Review status: criteria provided, single submitter. Criteria: Invitae Variant Classification Sherloc (09022015). Collection method: clinical testing. Allele origin: germline.
Comment: This variant is not present in population databases (gnomAD no frequency). This sequence change replaces glutamic acid, which is acidic and polar, with lysine, which is basic and polar, at codon 1547 of the APC protein (p.Glu1547Lys). This variant has not been reported in the literature in individuals affected with APC-related conditions. In summary, the available evidence is currently insufficient to determine the role of this variant in disease. Therefore, it has been classified as a Variant of Uncertain Significance. Algorithms developed to predict the effect of missense changes on protein structure and function (SIFT, PolyPhen-2, Align-GVGD) all suggest that this variant is likely to be tolerated. ClinVar contains an entry for this variant (Variation ID: 1007602).

NM_000038.6(APC):c.4639G>A (p.Glu1547Lys)

Gene: APC (APC regulator of Wnt signaling pathway; plus strand). Cytogenetic location: 5q22.2.
Variant type: single nucleotide variant.
Coding change: c.4639G>A on transcript NM_000038.6 (MANE Select); coding-DNA position 4639, G replaced by A.
Protein change: p.Glu1547Lys; replaces glutamic acid 1547 with lysine.
Molecular consequence: missense variant.
Genome position (GRCh38, 1-based): chr5:112,840,233, G>A. VCF-style: chr5-112840233-G-A. GRCh37 (hg19) VCF-style: chr5-112175930-G-A.
Other names: c.4639G>A, p.Glu1547Lys (NM_001127510.3, NM_001354895.2); c.4585G>A, p.Glu1529Lys (NM_001127511.3); c.4693G>A, p.Glu1565Lys (NM_001354896.2); c.4669G>A, p.Glu1557Lys (NM_001354897.2); c.4564G>A, p.Glu1522Lys (NM_001354898.2); c.4555G>A, p.Glu1519Lys (NM_001354899.2); c.4516G>A, p.Glu1506Lys (NM_001354900.2); c.4462G>A, p.Glu1488Lys (NM_001354901.2); and 6 more; short protein forms E1264K, E1387K, E1421K, E1446K, E1456K, E1488K, E1506K, E1519K.
Identifiers: ClinVar variation 1007602 (VCV001007602.12), dbSNP rs1765728305, ClinGen allele CA16031495.